The following is an entry in ClinVar:

NM_001378969.1(KCND3):c.1369A>G (p.Thr457Ala)

Gene: KCND3 (potassium voltage-gated channel subfamily D member 3; minus strand). Cytogenetic location: 1p13.2.
Variant type: single nucleotide variant.
Coding change: c.1369A>G on transcript NM_001378969.1 (MANE Select); coding-DNA position 1369, A replaced by G.
Protein change: p.Thr457Ala; replaces threonine 457 with alanine.
Molecular consequence: missense variant.
Genome position (GRCh38, 1-based): chr1:111,780,692, T>C on the plus strand (A>G on the coding strand, the complement: KCND3 is on the minus strand). VCF-style: chr1-111780692-T-C. GRCh37 (hg19) VCF-style: chr1-112323314-T-C.
Other names: c.1369A>G, p.Thr457Ala (NM_001378970.1, NM_004980.5, NM_172198.3); short protein forms T457A.
Identifiers: ClinVar variation 2744181 (VCV002744181.5), dbSNP rs574382498, ClinGen allele CA1007458.

ClinVar aggregate classification (germline): Uncertain significance. Review status: criteria provided, multiple submitters, no conflicts (2 of 4 stars). 3 submissions from 3 submitters: Uncertain significance (3). Last evaluated 2025-09-15.

Conditions:
Spinocerebellar ataxia type 19/22 (SCA19). Also called: SPINOCEREBELLAR ATAXIA 19; SPINOCEREBELLAR ATAXIA 22. Identifiers: Orphanet 98772, MedGen C1846367, MONDO:0011819, OMIM 607346.
Cardiovascular phenotype. Identifiers: MedGen CN230736.

Allele frequency attached by ClinVar (database versions not stated): gnomAD exomes below 0.00001; TOPMed 0.00001; gnomAD 0.00001; 1000 Genomes Project 30x 0.00016; ExAC 0.00001; 1000 Genomes Project 0.00020.
gnomAD v4.1: 6 of 1,608,420 alleles (0.00037%); highest among the groups gnomAD compares: East Asian, 0.013%; no homozygotes.

Submissions (3):

Labcorp Genetics (formerly Invitae), Labcorp
Classification: Uncertain significance for Spinocerebellar ataxia type 19/22. Last evaluated: 2025-09-15. Review status: criteria provided, single submitter. Criteria: Invitae Variant Classification Sherloc (09022015). Collection method: clinical testing. Allele origin: germline.
Comment: This sequence change replaces threonine, which is neutral and polar, with alanine, which is neutral and non-polar, at codon 457 of the KCND3 protein (p.Thr457Ala). This variant is not present in population databases (gnomAD no frequency). This variant has not been reported in the literature in individuals affected with KCND3-related conditions. ClinVar contains an entry for this variant (Variation ID: 2744181). Invitae Evidence Modeling of protein sequence and biophysical properties (such as structural, functional, and spatial information, amino acid conservation, physicochemical variation, residue mobility, and thermodynamic stability) indicates that this missense variant is not expected to disrupt KCND3 protein function with a negative predictive value of 95%. In summary, the available evidence is currently insufficient to determine the role of this variant in disease. Therefore, it has been classified as a Variant of Uncertain Significance.

Ambry Genetics
Classification: Uncertain significance for Cardiovascular phenotype. Last evaluated: 2025-07-02. Review status: criteria provided, single submitter. Criteria: Ambry Variant Classification Scheme 2023. Collection method: clinical testing. Allele origin: germline.

GeneDx
Classification: Uncertain significance. Last evaluated: 2023-11-06. Review status: criteria provided, single submitter. Criteria: GeneDx Variant Classification Process June 2021. Collection method: clinical testing. Allele origin: germline. Affected: yes.
Comment: Has not been previously published as pathogenic or benign to our knowledge; Not observed at significant frequency in large population cohorts (gnomAD); In silico analysis supports that this missense variant does not alter protein structure/function